The following is an entry in ClinVar:

ClinVar aggregate classification (germline): Uncertain significance (1 of 4 stars; one submission).

Conditions:
Hypertrophic cardiomyopathy 2. Also called: TNNT2-Related Familial Hypertrophic Cardiomyopathy. Identifiers: MedGen C1861864, MONDO:0007266, OMIM 115195.
Dilated cardiomyopathy 1D. Identifiers: Orphanet 154, Orphanet 54260, MedGen C1832243, MONDO:0011095, OMIM 601494.
Cardiomyopathy, familial restrictive, 3. Identifiers: Orphanet 75249, MedGen C2676271, MONDO:0012900, OMIM 612422.

Submission:

Labcorp Genetics (formerly Invitae), Labcorp
Classification: Uncertain significance for Cardiomyopathy, familial restrictive, 3; Hypertrophic cardiomyopathy 2; Dilated cardiomyopathy 1D. Last evaluated: 2025-12-09. Review status: criteria provided, single submitter. Criteria: Invitae Variant Classification Sherloc (09022015). Collection method: clinical testing. Allele origin: germline.
Comment: This sequence change replaces phenylalanine, which is neutral and non-polar, with valine, which is neutral and non-polar, at codon 70 of the TNNT2 protein (p.Phe70Val). This variant is not present in population databases (gnomAD no frequency). This variant has not been reported in the literature in individuals affected with TNNT2-related conditions. Invitae Evidence Modeling of protein sequence and biophysical properties (such as structural, functional, and spatial information, amino acid conservation, physicochemical variation, residue mobility, and thermodynamic stability) indicates that this missense variant is not expected to disrupt TNNT2 protein function with a negative predictive value of 80%. In summary, the available evidence is currently insufficient to determine the role of this variant in disease. Therefore, it has been classified as a Variant of Uncertain Significance.

NM_001276345.2(TNNT2):c.238T>G (p.Phe80Val)

Gene: TNNT2 (troponin T2, cardiac type; minus strand). Cytogenetic location: 1q32.1.
Variant type: single nucleotide variant.
Coding change: c.238T>G on transcript NM_001276345.2 (MANE Select); coding-DNA position 238, T replaced by G.
Protein change: p.Phe80Val; replaces phenylalanine 80 with valine.
Molecular consequence: missense variant.
Genome position (GRCh38, 1-based): chr1:201,365,666, A>C on the plus strand (T>G on the coding strand, the complement: TNNT2 is on the minus strand). VCF-style: chr1-201365666-A-C. GRCh37 (hg19) VCF-style: chr1-201334794-A-C.
Other names: c.238T>G, p.Phe80Val (NM_000364.4, NM_001406723.1); c.208T>G, p.Phe70Val (NM_001001430.3, NM_001001431.3, NM_001276347.2 and 3 more transcripts); c.193T>G, p.Phe65Val (NM_001001432.3, NM_001406728.1); c.235T>G, p.Phe79Val (NM_001276346.2); c.205T>G, p.Phe69Val (NM_001406725.1); short protein forms F65V, F69V, F79V, F70V, F80V.
Identifiers: ClinVar variation 4789271 (VCV004789271.1).